The following is an entry in ClinVar:

ClinVar aggregate classification (germline): Uncertain significance (1 of 4 stars; one submission).

Conditions:
Combined immunodeficiency due to DOCK8 deficiency (HIES2). Also called: HIES autosomal recessive; DOCK8 Deficiency; HYPER-IgE SYNDROME 2, AUTOSOMAL RECESSIVE, WITH RECURRENT INFECTIONS; Hyper-IgE recurrent infection syndrome, autosomal recessive; HYPER-IgE RECURRENT INFECTION SYNDROME 2, AUTOSOMAL RECESSIVE. Identifiers: Orphanet 217390, MedGen C4722305, MONDO:0009478, OMIM 243700.

Submission:

Labcorp Genetics (formerly Invitae), Labcorp
Classification: Uncertain significance for Combined immunodeficiency due to DOCK8 deficiency. Last evaluated: 2022-08-22. Review status: criteria provided, single submitter. Criteria: Invitae Variant Classification Sherloc (09022015). Collection method: clinical testing. Allele origin: germline.
Comment: Algorithms developed to predict the effect of missense changes on protein structure and function are either unavailable or do not agree on the potential impact of this missense change (SIFT: "Deleterious"; PolyPhen-2: "Probably Damaging"; Align-GVGD: "Class C0"). In summary, the available evidence is currently insufficient to determine the role of this variant in disease. Therefore, it has been classified as a Variant of Uncertain Significance. This sequence change replaces arginine, which is basic and polar, with glycine, which is neutral and non-polar, at codon 25 of the DOCK8 protein (p.Arg25Gly). This variant is not present in population databases (gnomAD no frequency). This variant has not been reported in the literature in individuals affected with DOCK8-related conditions. ClinVar contains an entry for this variant (Variation ID: 1521845).

NM_203447.4(DOCK8):c.73A>G (p.Arg25Gly)

Gene: DOCK8 (dedicator of cytokinesis 8; plus strand). Cytogenetic location: 9p24.3.
Variant type: single nucleotide variant.
Coding change: c.73A>G on transcript NM_203447.4 (MANE Select); coding-DNA position 73, A replaced by G.
Protein change: p.Arg25Gly; replaces arginine 25 with glycine.
Molecular consequence: missense variant.
Genome position (GRCh38, 1-based): chr9:271,646, A>G. VCF-style: chr9-271646-A-G. GRCh37 (hg19) VCF-style: chr9-271646-A-G.
Other names: short protein forms R25G.
Identifiers: ClinVar variation 1521845 (VCV001521845.8), dbSNP rs1026518997, ClinGen allele CA187758056.